The following is an entry in ClinVar:

ClinVar aggregate classification (germline): Uncertain significance. Review status: criteria provided, multiple submitters, no conflicts (2 of 4 stars). 2 submissions from 2 submitters: Uncertain significance (2). Last evaluated 2025-11-12.

Allele frequency attached by ClinVar (database versions not stated): TOPMed 0.00002.
gnomAD v4.1: 17 of 1,613,476 alleles (0.0011%); highest among the groups gnomAD compares: Non-Finnish European, 0.0014%; no homozygotes.

Submissions (2):

Ambry Genetics
Classification: Uncertain significance. Last evaluated: 2025-11-12. Review status: criteria provided, single submitter. Criteria: Ambry Variant Classification Scheme 2023. Collection method: clinical testing. Allele origin: germline.

Labcorp Genetics (formerly Invitae), Labcorp
Classification: Uncertain significance. Last evaluated: 2025-08-31. Review status: criteria provided, single submitter. Criteria: Invitae Variant Classification Sherloc (09022015). Collection method: clinical testing. Allele origin: germline.
Comment: This sequence change replaces proline, which is neutral and non-polar, with histidine, which is basic and polar, at codon 89 of the ARHGEF1 protein (p.Pro89His). This variant is not present in population databases (gnomAD no frequency). This variant has not been reported in the literature in individuals affected with ARHGEF1-related conditions. ClinVar contains an entry for this variant (Variation ID: 1906317). An algorithm developed to predict the effect of missense changes on protein structure and function (PolyPhen-2) suggests that this variant is likely to be disruptive. In summary, the available evidence is currently insufficient to determine the role of this variant in disease. Therefore, it has been classified as a Variant of Uncertain Significance.

NM_004706.4(ARHGEF1):c.221C>A (p.Pro74His)

Gene: ARHGEF1 (Rho guanine nucleotide exchange factor 1; plus strand). Cytogenetic location: 19q13.2.
Variant type: single nucleotide variant.
Coding change: c.221C>A on transcript NM_004706.4 (MANE Select); coding-DNA position 221, C replaced by A.
Protein change: p.Pro74His; replaces proline 74 with histidine.
Molecular consequence: missense variant. On other transcripts: non-coding transcript variant (2).
Genome position (GRCh38, 1-based): chr19:41,888,861, C>A. VCF-style: chr19-41888861-C-A. GRCh37 (hg19) VCF-style: chr19-42392932-C-A.
Other names: c.221C>A, p.Pro74His (NM_001396000.1, NM_001396002.1, NM_001396003.1 and 3 more transcripts); c.266C>A, p.Pro89His (NM_199002.2); c.266C>A (NM_199002.1); short protein forms P89H, P74H.
Identifiers: ClinVar variation 1906317 (VCV001906317.6), dbSNP rs1258788713, ClinGen allele CA406044498.